The following is an entry in ClinVar:

NM_017534.6(MYH2):c.286C>T (p.His96Tyr)

Genes: MYH2 (myosin heavy chain 2; minus strand), MYHAS (myosin heavy chain gene cluster antisense RNA; plus strand). Cytogenetic location: 17p13.1.
Variant type: single nucleotide variant.
Coding change: c.286C>T on transcript NM_017534.6 (MANE Select); coding-DNA position 286, C replaced by T.
Protein change: p.His96Tyr; replaces histidine 96 with tyrosine.
Molecular consequence: missense variant.
Genome position (GRCh38, 1-based): chr17:10,547,537, G>A on the plus strand (C>T on the coding strand, the complement: MYH2 is on the minus strand). VCF-style: chr17-10547537-G-A. GRCh37 (hg19) VCF-style: chr17-10450854-G-A.
Other names: c.286C>T, p.His96Tyr (NM_001100112.2); short protein forms H96Y.
Identifiers: ClinVar variation 4695562 (VCV004695562.1).

ClinVar aggregate classification (germline): Uncertain significance (1 of 4 stars; one submission).

Conditions:
Myopathy, proximal, and ophthalmoplegia (CMYO6). Also called: INCLUSION BODY MYOPATHY 3, AUTOSOMAL DOMINANT; MYOPATHY WITH CONGENITAL JOINT CONTRACTURES, OPHTHALMOPLEGIA, AND RIMMED VACUOLES; CONGENITAL MYOPATHY 6 WITH OPHTHALMOPLEGIA. Identifiers: Orphanet 363677, Orphanet 79091, MedGen C1854106, MONDO:0011577, OMIM 605637.

Submission:

Labcorp Genetics (formerly Invitae), Labcorp
Classification: Uncertain significance for Myopathy, proximal, and ophthalmoplegia. Last evaluated: 2025-11-08. Review status: criteria provided, single submitter. Criteria: Invitae Variant Classification Sherloc (09022015). Collection method: clinical testing. Allele origin: germline.
Comment: This sequence change replaces histidine, which is basic and polar, with tyrosine, which is neutral and polar, at codon 96 of the MYH2 protein (p.His96Tyr). This variant is not present in population databases (gnomAD no frequency). This variant has not been reported in the literature in individuals affected with MYH2-related conditions. Invitae Evidence Modeling of protein sequence and biophysical properties (such as structural, functional, and spatial information, amino acid conservation, physicochemical variation, residue mobility, and thermodynamic stability) indicates that this missense variant is not expected to disrupt MYH2 protein function with a negative predictive value of 80%. In summary, the available evidence is currently insufficient to determine the role of this variant in disease. Therefore, it has been classified as a Variant of Uncertain Significance.